The following is an entry in ClinVar:

NM_004174.4(SLC9A3):c.733G>A (p.Val245Met)

Gene: SLC9A3 (solute carrier family 9 member A3). Cytogenetic location: 5p15.33.
Variant type: single nucleotide variant.
Coding change: c.733G>A on transcript NM_004174.4 (MANE Select); coding-DNA position 733, G replaced by A.
Protein change: p.Val245Met; replaces valine 245 with methionine.
Molecular consequence: missense variant.
Genome position (GRCh38, 1-based): chr5:485,174, C>T on the plus strand (G>A on the coding strand, the complement: SLC9A3 is on the minus strand). VCF-style: chr5-485174-C-T. GRCh37 (hg19) VCF-style: chr5-485289-C-T.
Other names: c.733G>A (NM_004174.2); c.733G>A, p.Val245Met (NM_001284351.3); short protein forms V245M.
Identifiers: ClinVar variation 1441729 (VCV001441729.7), dbSNP rs142560041, ClinGen allele CA3176224.

ClinVar aggregate classification (germline): Uncertain significance. Review status: criteria provided, multiple submitters, no conflicts (2 of 4 stars). 2 submissions from 2 submitters: Uncertain significance (2). Last evaluated 2025-10-29.

Conditions:
Inborn genetic diseases. Identifiers: MedGen C0950123, MeSH D030342.

Allele frequency attached by ClinVar (database versions not stated): gnomAD exomes 0.00001 and 0.00002; ExAC 0.00002; gnomAD 0.00004 and 0.00006; ESP Exome Variant Server 0.00008; TOPMed 0.00016; 1000 Genomes Project 30x 0.00047; 1000 Genomes Project 0.00060.
gnomAD v4.1: 30 of 1,613,822 alleles (0.0019%); highest among the groups gnomAD compares: African/African-American, 0.017%; no homozygotes.

Submissions (2):

Labcorp Genetics (formerly Invitae), Labcorp
Classification: Uncertain significance. Last evaluated: 2025-10-29. Review status: criteria provided, single submitter. Criteria: Invitae Variant Classification Sherloc (09022015). Collection method: clinical testing. Allele origin: germline.
Comment: This sequence change replaces valine, which is neutral and non-polar, with methionine, which is neutral and non-polar, at codon 245 of the SLC9A3 protein (p.Val245Met). This variant is present in population databases (rs142560041, gnomAD 0.03%). This variant has not been reported in the literature in individuals affected with SLC9A3-related conditions. ClinVar contains an entry for this variant (Variation ID: 1441729). Invitae Evidence Modeling of protein sequence and biophysical properties (such as structural, functional, and spatial information, amino acid conservation, physicochemical variation, residue mobility, and thermodynamic stability) indicates that this missense variant is not expected to disrupt SLC9A3 protein function with a negative predictive value of 80%. In summary, the available evidence is currently insufficient to determine the role of this variant in disease. Therefore, it has been classified as a Variant of Uncertain Significance.

Ambry Genetics
Classification: Uncertain significance for Inborn genetic diseases. Last evaluated: 2025-08-24. Review status: criteria provided, single submitter. Criteria: Ambry Variant Classification Scheme 2023. Collection method: clinical testing. Allele origin: germline.